The following is an entry in ClinVar:

ClinVar aggregate classification (germline): Uncertain significance (1 of 4 stars; one submission).

Conditions:
Long QT syndrome (LQTS). Identifiers: MedGen C0023976, MeSH D008133, MONDO:0002442. Disease mechanism: loss of function. Inheritance: Various modes of inheritance.

Allele frequency attached by ClinVar (database versions not stated): gnomAD exomes 0.00001; TOPMed below 0.00001.
gnomAD v4.1: 2 of 1,565,886 alleles (0.00013%); highest among the groups gnomAD compares: Admixed American, 0.0037%; no homozygotes.

Submission:

Labcorp Genetics (formerly Invitae), Labcorp
Classification: Uncertain significance for Long QT syndrome. Last evaluated: 2017-12-24. Review status: criteria provided, single submitter. Criteria: Invitae Variant Classification Sherloc (09022015). Collection method: clinical testing. Allele origin: germline.
Comment: This variant has been reported in an individual affected with Long QT syndrome, although a definitive diagnosis was not possible (PMID: 26189708). While this variant is not present in population databases, the frequency information is unreliable, as metrics indicate poor data quality at this position in the ExAC database. Algorithms developed to predict the effect of missense changes on protein structure and function do not agree on the potential impact of this missense change (SIFT: "Deleterious"; PolyPhen-2: "Possibly damaging"; Align-GVGD: "Class C0"). This sequence change replaces glycine with aspartic acid at codon 62 of the KCNH2 protein (p.Gly21Asp). The glycine residue is weakly conserved and there is a moderate physicochemical difference between glycine and aspartic acid. The KCNH2 gene has multiple clinically relevant transcripts. The p.Gly21Asp variant occurs in alternate transcript NM_172057.2, which corresponds to position c.1128+1849G>A in NM_000238.3, the primary transcript listed in the Methods. In summary, the available evidence is currently insufficient to determine the role of this variant in disease. Therefore, it has been classified as a Variant of Uncertain Significance.

Literature cited by the submitters: PubMed 26189708.

NM_000238.4(KCNH2):c.1128+1849G>A

Gene: KCNH2 (potassium voltage-gated channel subfamily H member 2; minus strand). Cytogenetic location: 7q36.1.
Variant type: single nucleotide variant.
Coding change: c.1128+1849G>A on transcript NM_000238.4 (MANE Select); 1849 bases into the intron after coding-DNA position 1128, G replaced by A.
Molecular consequence: intron variant. On other transcripts: missense variant (2), non-coding transcript variant (1).
Genome position (GRCh38, 1-based): chr7:150,955,442, C>T on the plus strand (G>A on the coding strand, the complement: KCNH2 is on the minus strand). VCF-style: chr7-150955442-C-T. GRCh37 (hg19) VCF-style: chr7-150652530-C-T.
Other names: c.62G>A, p.Gly21Asp (NM_001204798.2, NM_172057.3); c.840+1849G>A (NM_001406753.1, NM_001406756.1); c.1128+1849G>A (NM_172056.3); c.951+1849G>A (NM_001406755.1); c.828+1849G>A (NM_001406757.1); short protein forms G21D.
Identifiers: ClinVar variation 526911 (VCV000526911.8), dbSNP rs1167016668, ClinGen allele CA369860810.